The following is an entry in ClinVar:

ClinVar aggregate classification (germline): Uncertain significance. Review status: criteria provided, multiple submitters, no conflicts (2 of 4 stars). 5 submissions from 5 submitters: Uncertain significance (4). 1 of the submissions does not count toward it. Last evaluated 2025-12-28.

Conditions:
Cardiovascular phenotype. Identifiers: MedGen CN230736.
SOS1-related disorder. Also called: SOS1-related condition.
RASopathy. Also called: rasopathies; Noonan spectrum disorder. Identifiers: Orphanet 536391, MedGen C5555857, MONDO:0021060.

Allele frequency attached by ClinVar (database versions not stated): gnomAD exomes 0.00001; TOPMed below 0.00001; gnomAD 0.00001.
gnomAD v4.1: 6 of 1,613,582 alleles (0.00037%); highest among the groups gnomAD compares: Non-Finnish European, 0.00051%; no homozygotes.

Submissions (5):

Labcorp Genetics (formerly Invitae), Labcorp
Classification: Uncertain significance for RASopathy. Last evaluated: 2025-12-28. Review status: criteria provided, single submitter. Criteria: Invitae Variant Classification Sherloc (09022015). Collection method: clinical testing. Allele origin: germline.
Comment: This sequence change replaces glycine, which is neutral and non-polar, with valine, which is neutral and non-polar, at codon 1245 of the SOS1 protein (p.Gly1245Val). This variant is not present in population databases (gnomAD no frequency). This variant has not been reported in the literature in individuals affected with SOS1-related conditions. ClinVar contains an entry for this variant (Variation ID: 45369). Invitae Evidence Modeling of protein sequence and biophysical properties (such as structural, functional, and spatial information, amino acid conservation, physicochemical variation, residue mobility, and thermodynamic stability) indicates that this missense variant is not expected to disrupt SOS1 protein function with a negative predictive value of 95%. In summary, the available evidence is currently insufficient to determine the role of this variant in disease. Therefore, it has been classified as a Variant of Uncertain Significance.

Revvity Omics, Revvity
Classification: Uncertain significance. Last evaluated: 2025-05-26. Review status: criteria provided, single submitter. Criteria: ACMG Guidelines, 2015. Collection method: clinical testing. Allele origin: germline.

Ambry Genetics
Classification: Uncertain significance for Cardiovascular phenotype. Last evaluated: 2024-09-08. Review status: criteria provided, single submitter. Criteria: Ambry Variant Classification Scheme 2023. Collection method: clinical testing. Allele origin: germline.
Comment: The p.G1245V variant (also known as c.3734G>T), located in coding exon 23 of the SOS1 gene, results from a G to T substitution at nucleotide position 3734. The glycine at codon 1245 is replaced by valine, an amino acid with dissimilar properties. This amino acid position is conserved. In addition, this alteration is predicted to be tolerated by in silico analysis. Based on the available evidence, the clinical significance of this variant remains unclear.

Laboratory for Molecular Medicine, Mass General Brigham Personalized Medicine
Classification: Uncertain significance. Last evaluated: 2012-06-14. Review status: criteria provided, single submitter. Criteria: LMM Criteria. Collection method: clinical testing. Allele origin: germline. Observed: 1 variant allele.
Comment: The Gly1245Val variant in SOS1 has not been reported in the literature nor previ ously identified by our laboratory. Computational analyses (biochemical amino ac id properties, conservation, AlignGVGD, PolyPhen2, and SIFT) do not provide stro ng support for or against an impact to the protein. In summary, additional infor mation is needed to fully assess the clinical significance of the Gly1245Val var iant.

PreventionGenetics, part of Exact Sciences
Classification: Uncertain significance for SOS1-related condition. Last evaluated: 2024-06-04. Review status: no assertion criteria provided. Collection method: clinical testing. Allele origin: germline. Not counted in ClinVar's aggregate classification.
Comment: The SOS1 c.3734G>T variant is predicted to result in the amino acid substitution p.Gly1245Val. To our knowledge, this variant has not been reported in the literature or in gnomAD, indicating this variant is rare. At this time, the clinical significance of this variant is uncertain due to the absence of conclusive functional and genetic evidence.

NM_005633.4(SOS1):c.3734G>T (p.Gly1245Val)

Gene: SOS1 (SOS Ras/Rac guanine nucleotide exchange factor 1; minus strand). Cytogenetic location: 2p22.1.
Variant type: single nucleotide variant.
Coding change: c.3734G>T on transcript NM_005633.4 (MANE Select); coding-DNA position 3734, G replaced by T.
Protein change: p.Gly1245Val; replaces glycine 1245 with valine.
Molecular consequence: missense variant.
Genome position (GRCh38, 1-based): chr2:38,986,092, C>A on the plus strand (G>T on the coding strand, the complement: SOS1 is on the minus strand). VCF-style: chr2-38986092-C-A. GRCh37 (hg19) VCF-style: chr2-39213233-C-A.
Other names: c.3713G>T, p.Gly1238Val (NM_001382394.1); c.3689G>T, p.Gly1230Val (NM_001382395.1); short protein forms G1245V, G1230V, G1238V.
Identifiers: ClinVar variation 45369 (VCV000045369.11), dbSNP rs397517169, ClinGen allele CA136155.